The following is an entry in ClinVar:

ClinVar aggregate classification (germline): Uncertain significance. Review status: criteria provided, multiple submitters, no conflicts (2 of 4 stars). 2 submissions from 2 submitters: Uncertain significance (2). Last evaluated 2026-01-13.

Conditions:
Hereditary cancer-predisposing syndrome. Also called: Tumor predisposition; Neoplastic Syndromes, Hereditary; Hereditary Cancer Syndrome; Hereditary neoplastic syndrome. Identifiers: Orphanet 140162, MedGen C0027672, MeSH D009386, MONDO:0015356.
Bloom syndrome (BLM). Also called: Bloom-Torre-Machacek syndrome. Identifiers: Orphanet 125, MedGen C0005859, MONDO:0008876, OMIM 210900.

Allele frequency attached by ClinVar (database versions not stated): gnomAD exomes below 0.00001.
gnomAD v4.1: 1 of 1,614,182 alleles (0.000062%); highest among the groups gnomAD compares: African/African-American, 0.0013%; no homozygotes.

Submissions (2):

Ambry Genetics
Classification: Uncertain significance for Hereditary cancer-predisposing syndrome. Last evaluated: 2026-01-13. Review status: criteria provided, single submitter. Criteria: Ambry Variant Classification Scheme 2023. Collection method: clinical testing. Allele origin: germline.
Comment: The p.S144T variant (also known as c.430T>A), located in coding exon 2 of the BLM gene, results from a T to A substitution at nucleotide position 430. The serine at codon 144 is replaced by threonine, an amino acid with similar properties. This amino acid position is conserved. In addition, this alteration is predicted to be tolerated by in silico analysis. Based on the available evidence, the clinical significance of this variant remains unclear.

Labcorp Genetics (formerly Invitae), Labcorp
Classification: Uncertain significance for Bloom syndrome. Last evaluated: 2023-02-14. Review status: criteria provided, single submitter. Criteria: Invitae Variant Classification Sherloc (09022015). Collection method: clinical testing. Allele origin: germline.
Comment: In summary, the available evidence is currently insufficient to determine the role of this variant in disease. Therefore, it has been classified as a Variant of Uncertain Significance. Algorithms developed to predict the effect of missense changes on protein structure and function are either unavailable or do not agree on the potential impact of this missense change (SIFT: "Tolerated"; PolyPhen-2: "Probably Damaging"; Align-GVGD: "Class C0"). This variant has not been reported in the literature in individuals affected with BLM-related conditions. This variant is not present in population databases (gnomAD no frequency). This sequence change replaces serine, which is neutral and polar, with threonine, which is neutral and polar, at codon 144 of the BLM protein (p.Ser144Thr).

NM_000057.4(BLM):c.430T>A (p.Ser144Thr)

Gene: BLM (BLM RecQ like helicase; plus strand). Cytogenetic location: 15q26.1.
Variant type: single nucleotide variant.
Coding change: c.430T>A on transcript NM_000057.4 (MANE Select); coding-DNA position 430, T replaced by A.
Protein change: p.Ser144Thr; replaces serine 144 with threonine.
Molecular consequence: missense variant. On other transcripts: 5 prime UTR variant (1).
Genome position (GRCh38, 1-based): chr15:90,749,698, T>A. VCF-style: chr15-90749698-T-A. GRCh37 (hg19) VCF-style: chr15-91292928-T-A.
Other names: c.-862T>A (NM_001287248.2); c.430T>A, p.Ser144Thr (NM_001287246.2, NM_001287247.2); short protein forms S144T.
Identifiers: ClinVar variation 2836873 (VCV002836873.4), dbSNP rs2505392314, ClinGen allele CA393840531.
Genomic context (GRCh38, chr15:90,749,698, plus strand): 5'-AACACACCAACTGTAAAGAAATCCCGGGATACTGCTCTCAAGAAATTAGAATTTAGTTCT[T>A]CACCAGATTCTTTAAGTACCATCAATGATTGGGATGATATGGATGACTTTGATACTTCTG-3'
Protein context (NP_000048.1, residues 134-154): TALKKLEFSS[Ser144Thr]PDSLSTINDW